The following is an entry in ClinVar:

NM_000263.4(NAGLU):c.978C>A (p.Tyr326Ter)

Gene: NAGLU (N-acetyl-alpha-glucosaminidase; plus strand). Cytogenetic location: 17q21.2.
Variant type: single nucleotide variant.
Coding change: c.978C>A on transcript NM_000263.4 (MANE Select); coding-DNA position 978, C replaced by A.
Protein change: p.Tyr326Ter; replaces tyrosine 326 with a stop codon.
Molecular consequence: nonsense.
Genome position (GRCh38, 1-based): chr17:42,541,163, C>A. VCF-style: chr17-42541163-C-A. GRCh37 (hg19) VCF-style: chr17-40693181-C-A.
Other names: short protein forms Y326*.
Identifiers: ClinVar variation 3756578 (VCV003756578.2).
Genomic context (GRCh38, chr17:42,541,163, plus strand): 5'-CCACATCTATGGGGCCGACACTTTCAATGAGATGCAGCCACCTTCCTCAGAGCCCTCCTA[C>A]CTTGCCGCAGCCACCACTGCCGTCTATGAGGCCATGACTGCAGGTACAGTGCCTGGGTGG-3'

ClinVar aggregate classification (germline): Pathogenic (1 of 4 stars; one submission).

Conditions:
Charcot-Marie-Tooth disease axonal type 2V. Also called: CHARCOT-MARIE-TOOTH NEUROPATHY, TYPE 2V; CHARCOT-MARIE-TOOTH DISEASE, AXONAL, AUTOSOMAL DOMINANT, TYPE 2V. Identifiers: Orphanet 447964, MedGen C5569050, MONDO:0014665, OMIM 616491.
Mucopolysaccharidosis, MPS-III-B (MPS3B). Also called: N-ACETYL-ALPHA-D-GLUCOSAMINIDASE DEFICIENCY; NAGLU DEFICIENCY; SANFILIPPO SYNDROME B; MPS III B; Mucopolysaccharidosis type IIIB (Sanfilippo B); MUCOPOLYSACCHARIDOSIS, TYPE IIIB. Identifiers: Orphanet 79270, MedGen C0086648, MONDO:0009656, OMIM 252920.

Submission:

Labcorp Genetics (formerly Invitae), Labcorp
Classification: Pathogenic for Charcot-Marie-Tooth disease axonal type 2V; Mucopolysaccharidosis, MPS-III-B. Last evaluated: 2024-05-28. Review status: criteria provided, single submitter. Criteria: Invitae Variant Classification Sherloc (09022015). Collection method: clinical testing. Allele origin: germline.
Comment: This sequence change creates a premature translational stop signal (p.Tyr326*) in the NAGLU gene. While this is not anticipated to result in nonsense mediated decay, it is expected to disrupt the last 418 amino acid(s) of the NAGLU protein. This variant is not present in population databases (gnomAD no frequency). This variant has not been reported in the literature in individuals affected with NAGLU-related conditions. This variant disrupts a region of the NAGLU protein in which other variant(s) (p.Arg626*) have been determined to be pathogenic (PMID: 8650226, 9832037, 10094189). This suggests that this is a clinically significant region of the protein, and that variants that disrupt it are likely to be disease-causing. For these reasons, this variant has been classified as Pathogenic.

Literature cited by the submitters: PubMed 8650226; PubMed 9832037; PubMed 10094189.